The following is an entry in ClinVar:

ClinVar aggregate classification (germline): Uncertain significance. Review status: criteria provided, multiple submitters, no conflicts (2 of 4 stars). 3 submissions from 3 submitters: Uncertain significance (3). Last evaluated 2023-12-05.

Conditions:
Hereditary cancer-predisposing syndrome. Also called: Hereditary Cancer Syndrome; Neoplastic Syndromes, Hereditary; Tumor predisposition; Hereditary neoplastic syndrome. Identifiers: Orphanet 140162, MedGen C0027672, MeSH D009386, MONDO:0015356.
Ataxia-telangiectasia syndrome (AT). Also called: Ataxia telangiectasia (A-T); Ataxia-telangiectasia, complementation group E; LOUIS-BAR SYNDROME; Cerebello-oculocutaneous telangiectasia; Immunodeficiency with ataxia telangiectasia; Ataxia-telangiectasia, complementation group D. Identifiers: Orphanet 100, MedGen C0004135, MONDO:0008840, OMIM 208900.

Submissions (3):

Color Diagnostics, LLC DBA Color Health
Classification: Uncertain significance for Hereditary cancer-predisposing syndrome. Last evaluated: 2023-12-05. Review status: criteria provided, single submitter. Criteria: ACMG Guidelines, 2015. Collection method: clinical testing. Allele origin: germline.
Comment: This missense variant replaces lysine with glutamic acid at codon 388 of the ATM protein. Computational prediction suggests that this variant may not impact protein structure and function (internally defined REVEL score threshold <= 0.5, PMID: 27666373). To our knowledge, functional studies have not been reported for this variant. This variant has not been reported in individuals affected with ATM-related disorders in the literature. This variant has not been identified in the general population by the Genome Aggregation Database (gnomAD). The available evidence is insufficient to determine the role of this variant in disease conclusively. Therefore, this variant is classified as a Variant of Uncertain Significance.

Labcorp Genetics (formerly Invitae), Labcorp
Classification: Uncertain significance for Ataxia-telangiectasia syndrome. Last evaluated: 2022-06-09. Review status: criteria provided, single submitter. Criteria: Invitae Variant Classification Sherloc (09022015). Collection method: clinical testing. Allele origin: germline.
Comment: In summary, the available evidence is currently insufficient to determine the role of this variant in disease. Therefore, it has been classified as a Variant of Uncertain Significance. Algorithms developed to predict the effect of sequence changes on RNA splicing suggest that this variant may disrupt the consensus splice site. Advanced modeling of protein sequence and biophysical properties (such as structural, functional, and spatial information, amino acid conservation, physicochemical variation, residue mobility, and thermodynamic stability) performed at Invitae indicates that this missense variant is not expected to disrupt ATM protein function. ClinVar contains an entry for this variant (Variation ID: 232124). This variant has not been reported in the literature in individuals affected with ATM-related conditions. This variant is not present in population databases (gnomAD no frequency). This sequence change replaces lysine, which is basic and polar, with glutamic acid, which is acidic and polar, at codon 388 of the ATM protein (p.Lys388Glu).

Ambry Genetics
Classification: Uncertain significance for Hereditary cancer-predisposing syndrome. Last evaluated: 2015-06-01. Review status: criteria provided, single submitter. Criteria: Ambry Variant Classification Scheme 2023. Collection method: clinical testing. Allele origin: germline.
Comment: The p.K388E variant (also known as c.1162A>G), located in coding exon 8 of the ATM gene, results from an A to G substitution at nucleotide position 1162. The lysine at codon 388 is replaced by glutamic acid, an amino acid with similar properties. This variant was not reported in population based cohorts in the following databases: Database of Single Nucleotide Polymorphisms (dbSNP), NHLBI Exome Sequencing Project (ESP), and 1000 Genomes Project. In the ESP, this variant was not observed in 6499 samples (12998 alleles) with coverage at this position. To date, this alteration has been detected with an allele frequency of approximately 0.002% (greater than 66000 alleles tested) in our clinical cohort. This amino acid position is not well conserved in available vertebrate species. In addition, this alteration is predicted to be benign and deleterious by PolyPhen and SIFT in silico analyses, respectively. Since supporting evidence is limited at this time, the clinical significance of p.K388E remains unclear.

NM_000051.4(ATM):c.1162A>G (p.Lys388Glu)

Gene: ATM (ATM serine/threonine kinase; plus strand). Cytogenetic location: 11q22.3.
Variant type: single nucleotide variant.
Coding change: c.1162A>G on transcript NM_000051.4 (MANE Select); coding-DNA position 1162, A replaced by G.
Protein change: p.Lys388Glu; replaces lysine 388 with glutamic acid.
Molecular consequence: missense variant.
Genome position (GRCh38, 1-based): chr11:108,249,029, A>G. VCF-style: chr11-108249029-A-G. GRCh37 (hg19) VCF-style: chr11-108119756-A-G.
Other names: c.1162A>G, p.Lys388Glu (NM_001351834.2); short protein forms K388E.
Identifiers: ClinVar variation 232124 (VCV000232124.15), dbSNP rs876659570, ClinGen allele CA10578997.